The following is an entry in ClinVar:

ClinVar aggregate classification (germline): Likely benign (0 of 4 stars; one submission).

Conditions:
JAK1-related disorder. Also called: JAK1-related condition.

Allele frequency attached by ClinVar (database versions not stated): ExAC 0.00001; gnomAD exomes 0.00001.
gnomAD v4.1: 4 of 1,614,222 alleles (0.00025%); highest among the groups gnomAD compares: Non-Finnish European, 0.00025%; no homozygotes.

Submission:

PreventionGenetics, part of Exact Sciences
Classification: Likely benign for JAK1-related condition. Last evaluated: 2024-01-05. Review status: no assertion criteria provided. Collection method: clinical testing. Allele origin: germline.
Comment: This variant is classified as likely benign based on ACMG/AMP sequence variant interpretation guidelines (Richards et al. 2015 PMID: 25741868, with internal and published modifications).

NM_002227.4(JAK1):c.354A>G (p.Gly118=)

Gene: JAK1 (Janus kinase 1; minus strand). Cytogenetic location: 1p31.3.
Variant type: single nucleotide variant.
Coding change: c.354A>G on transcript NM_002227.4 (MANE Select); coding-DNA position 354, A replaced by G.
Protein change: p.Gly118=; no amino-acid change (glycine 118 retained).
Molecular consequence: synonymous variant.
Genome position (GRCh38, 1-based): chr1:64,873,499, T>C on the plus strand (A>G on the coding strand, the complement: JAK1 is on the minus strand). VCF-style: chr1-64873499-T-C. GRCh37 (hg19) VCF-style: chr1-65339182-T-C.
Other names: c.354A>G, p.Gly118= (NM_001320923.2, NM_001321852.2, NM_001321853.2 and 4 more transcripts).
Identifiers: ClinVar variation 3029804 (VCV003029804.2), dbSNP rs747778210, ClinGen allele CA893174.